The following is an entry in ClinVar:

NM_001267550.2(TTN):c.31594+7G>C

Gene: TTN (titin; minus strand). Cytogenetic location: 2q31.2.
Variant type: single nucleotide variant.
Coding change: c.31594+7G>C on transcript NM_001267550.2 (MANE Select); 7 bases into the intron after coding-DNA position 31594, G replaced by C.
Molecular consequence: intron variant.
Genome position (GRCh38, 1-based): chr2:178,693,602, C>G on the plus strand (G>C on the coding strand, the complement: TTN is on the minus strand). VCF-style: chr2-178693602-C-G. GRCh37 (hg19) VCF-style: chr2-179558329-C-G.
Other names: c.13282+44480G>C (NM_003319.4); c.13858+44480G>C (NM_133437.4); c.13657+44480G>C (NM_133432.3); c.27862+7G>C (NM_133378.4); c.30643+7G>C (NM_001256850.1).
Identifiers: ClinVar variation 392549 (VCV000392549.1), dbSNP rs1057524536, ClinGen allele CA16604178.
Genomic context (GRCh38, chr2:178,693,602, plus strand): 5'-TGTTTTACTATGGTATTTGTACTAATTTTTATTAAAAGAGTTTAAACTTAGAATGAATTA[C>G]TAATACCTTTAGGTGGTGGTTCAACCCTTTTGGAAATGGCAACGTGAATTTTCTCTTCAG-3'

ClinVar aggregate classification (germline): Likely benign (1 of 4 stars; one submission).

Submission:

GeneDx
Classification: Likely benign. Last evaluated: 2017-01-03. Review status: criteria provided, single submitter. Criteria: GeneDx Variant Classification (06012015). Collection method: clinical testing. Allele origin: germline. Affected: yes.
Comment: This variant is considered likely benign or benign based on one or more of the following criteria: it is a conservative change, it occurs at a poorly conserved position in the protein, it is predicted to be benign by multiple in silico algorithms, and/or has population frequency not consistent with disease.